The following is an entry in ClinVar:

NM_005591.4(MRE11):c.1112dup (p.Gly372fs)

Gene: MRE11 (MRE11 double strand break repair nuclease; minus strand). Cytogenetic location: 11q21.
Variant type: Duplication.
Coding change: c.1112dup on transcript NM_005591.4 (MANE Select); coding-DNA position 1112, one base duplicated (G; older notation c.1112dupG).
Protein change: p.Gly372fs; shifts the reading frame from glycine 372.
Molecular consequence: frameshift variant.
Genome position (GRCh38, 1-based): chr11:94,464,226, C duplicated on the plus strand (G on the coding strand, the reverse complement: MRE11 is on the minus strand); the first of 2 consecutive C bases (chr11:94,464,226-94,464,227); duplicating either gives the same sequence. VCF-style (leftmost placement, unchanged base first): chr11-94464225-T-TC. GRCh37 (hg19) VCF-style: chr11-94197391-T-TC.
Other names: c.1112dup, p.Gly372fs (NM_001330347.2, NM_005590.4); short protein forms G372fs.
Identifiers: ClinVar variation 807446 (VCV000807446.10), dbSNP rs1591681273, ClinGen allele CA915948782.

ClinVar aggregate classification (germline): Pathogenic/Likely pathogenic. Review status: criteria provided, multiple submitters, no conflicts (2 of 4 stars). 2 submissions from 2 submitters: Pathogenic (1); Likely pathogenic (1). Last evaluated 2020-02-12.

Conditions:
Ataxia-telangiectasia-like disorder 1 (ATLD1). Identifiers: Orphanet 251347, MedGen C4012790, MONDO:0024557, OMIM 604391.
Ataxia-telangiectasia-like disorder (ATLD). Identifiers: MedGen C1858391, MONDO:0011457.

Submissions (2):

Labcorp Genetics (formerly Invitae), Labcorp
Classification: Pathogenic for Ataxia-telangiectasia-like disorder. Last evaluated: 2020-02-12. Review status: criteria provided, single submitter. Criteria: Invitae Variant Classification Sherloc (09022015). Collection method: clinical testing. Allele origin: germline.
Comment: This sequence change creates a premature translational stop signal (p.Gly372Argfs*3) in the MRE11 gene. It is expected to result in an absent or disrupted protein product. This variant is not present in population databases (ExAC no frequency). This variant has not been reported in the literature in individuals with MRE11-related conditions. Loss-of-function variants in MRE11 are known to be pathogenic (PMID: 23080121, 23912341). For these reasons, this variant has been classified as Pathogenic.

Institute of Human Genetics Munich, TUM University Hospital
Classification: Likely pathogenic for Ataxia-telangiectasia-like disorder 1. Last evaluated: 2019-06-07. Review status: criteria provided, single submitter. Criteria: Classification criteria August 2017. Collection method: clinical testing. Allele origin: germline. Inheritance: Autosomal recessive inheritance. Affected: yes. Observed: 1 heterozygote.

Literature cited by the submitters: PubMed 23080121 (cited by Labcorp Genetics (formerly Invitae), Labcorp); PubMed 23912341 (cited by Labcorp Genetics (formerly Invitae), Labcorp).